The following is an entry in ClinVar:

ClinVar aggregate classification (germline): Uncertain significance (1 of 4 stars; one submission).

gnomAD v4.1: 2 of 1,601,062 alleles (0.00012%); highest among the groups gnomAD compares: Non-Finnish European, 0.00017%; no homozygotes.

Submission:

Labcorp Genetics (formerly Invitae), Labcorp
Classification: Uncertain significance. Last evaluated: 2025-03-16. Review status: criteria provided, single submitter. Criteria: Invitae Variant Classification Sherloc (09022015). Collection method: clinical testing. Allele origin: germline.
Comment: This sequence change replaces proline, which is neutral and non-polar, with glutamine, which is neutral and polar, at codon 75 of the AHDC1 protein (p.Pro75Gln). The frequency data for this variant in the population databases is considered unreliable, as metrics indicate poor data quality at this position in the gnomAD database. This variant has not been reported in the literature in individuals affected with AHDC1-related conditions. An algorithm developed to predict the effect of missense changes on protein structure and function (PolyPhen-2) suggests that this variant is likely to be disruptive. In summary, the available evidence is currently insufficient to determine the role of this variant in disease. Therefore, it has been classified as a Variant of Uncertain Significance.

NM_001371928.1(AHDC1):c.224C>A (p.Pro75Gln)

Gene: AHDC1 (AT-hook DNA binding motif containing 1; minus strand). Cytogenetic location: 1p36.11.
Variant type: single nucleotide variant.
Coding change: c.224C>A on transcript NM_001371928.1 (MANE Select); coding-DNA position 224, C replaced by A.
Protein change: p.Pro75Gln; replaces proline 75 with glutamine.
Molecular consequence: missense variant.
Genome position (GRCh38, 1-based): chr1:27,551,892, G>T on the plus strand (C>A on the coding strand, the complement: AHDC1 is on the minus strand). VCF-style: chr1-27551892-G-T. GRCh37 (hg19) VCF-style: chr1-27878403-G-T.
Other names: c.224C>A, p.Pro75Gln (NM_001029882.3); short protein forms P75Q.
Identifiers: ClinVar variation 4760163 (VCV004760163.1).
Genomic context (GRCh38, chr1:27,551,892, plus strand): 5'-GCCTGTGAGACAGGACGGGCTGCCCGTGGGGGCAGCGGGTCGTCCCCCTTGGCAAGGACT[G>T]GTGGGCGCCGGGTGCTGGGGTCCCGGCGTGGGGGTGGGCGTGGGTTCTCGGAGAAGGCGT-3'
Protein context (NP_001358857.1, residues 65-85): PRRDPSTRRP[Pro75Gln]VLAKGDDPLP